The following is an entry in ClinVar:

NM_001330691.3(CEP78):c.411A>G (p.Leu137=)

Gene: CEP78 (centrosomal protein 78; plus strand). Cytogenetic location: 9q21.2.
Variant type: single nucleotide variant.
Coding change: c.411A>G on transcript NM_001330691.3 (MANE Select); coding-DNA position 411, A replaced by G.
Protein change: p.Leu137=; no amino-acid change (leucine 137 retained).
Molecular consequence: synonymous variant.
Genome position (GRCh38, 1-based): chr9:78,240,180, A>G. VCF-style: chr9-78240180-A-G. GRCh37 (hg19) VCF-style: chr9-80855096-A-G.
Other names: c.411A>G, p.Leu137= (NM_001098802.3, NM_001330693.3, NM_001330694.2 and 4 more transcripts).
Identifiers: ClinVar variation 753480 (VCV000753480.19), dbSNP rs560022941, ClinGen allele CA5094897.

ClinVar aggregate classification (germline): Benign/Likely benign. Review status: criteria provided, multiple submitters, no conflicts (2 of 4 stars). 3 submissions from 3 submitters: Benign (1); Likely benign (2). Last evaluated 2025-10-19.

Allele frequency attached by ClinVar (database versions not stated): gnomAD exomes 0.00033 and 0.00065; 1000 Genomes Project 30x 0.00062; ExAC 0.00063; 1000 Genomes Project 0.00080; gnomAD below 0.00001 and 0.00018; TOPMed 0.00005.
gnomAD v4.1: 502 of 1,603,908 alleles (0.031%); highest among the groups gnomAD compares: South Asian, 0.53%; 5 homozygotes.

Submissions (3):

Labcorp Genetics (formerly Invitae), Labcorp
Classification: Benign. Last evaluated: 2025-10-19. Review status: criteria provided, single submitter. Criteria: Invitae Variant Classification Sherloc (09022015). Collection method: clinical testing. Allele origin: germline.

CeGaT Center for Human Genetics Tuebingen
Classification: Likely benign. Last evaluated: 2025-03-01. Review status: criteria provided, single submitter. Criteria: CeGaT Center For Human Genetics Tuebingen Variant Classification Criteria Version 2. Collection method: clinical testing. Allele origin: germline. Affected: yes. Observed: 1 variant allele.
Comment: CEP78: BP4, BP7

Blueprint Genetics
Classification: Likely benign. Last evaluated: 2024-10-31. Review status: criteria provided, single submitter. Criteria: ACMG Guidelines, 2015. Collection method: clinical testing. Allele origin: germline.